The following is an entry in ClinVar:

ClinVar aggregate classification (germline): Uncertain significance (1 of 4 stars; one submission).

Submission:

Labcorp Genetics (formerly Invitae), Labcorp
Classification: Uncertain significance. Last evaluated: 2024-06-23. Review status: criteria provided, single submitter. Criteria: Invitae Variant Classification Sherloc (09022015). Collection method: clinical testing. Allele origin: germline.
Comment: This sequence change replaces threonine, which is neutral and polar, with alanine, which is neutral and non-polar, at codon 223 of the SLC1A3 protein (p.Thr223Ala). This variant is not present in population databases (gnomAD no frequency). This variant has not been reported in the literature in individuals affected with SLC1A3-related conditions. An algorithm developed to predict the effect of missense changes on protein structure and function (PolyPhen-2) suggests that this variant is likely to be tolerated. In summary, the available evidence is currently insufficient to determine the role of this variant in disease. Therefore, it has been classified as a Variant of Uncertain Significance.

NM_004172.5(SLC1A3):c.667A>G (p.Thr223Ala)

Genes: SLC1A3 (solute carrier family 1 member 3; plus strand), SLC1A3-AS1 (SLC1A3 antisense RNA 1; minus strand). Cytogenetic location: 5p13.2.
Variant type: single nucleotide variant.
Coding change: c.667A>G on transcript NM_004172.5 (MANE Select); coding-DNA position 667, A replaced by G.
Protein change: p.Thr223Ala; replaces threonine 223 with alanine.
Molecular consequence: missense variant. On other transcripts: intron variant (1).
Genome position (GRCh38, 1-based): chr5:36,676,991, A>G. VCF-style: chr5-36676991-A-G. GRCh37 (hg19) VCF-style: chr5-36677093-A-G.
Other names: c.667A>G, p.Thr223Ala (NM_001166695.3); c.529A>G, p.Thr177Ala (NM_001289939.2); c.525-2636A>G (NM_001289940.2); short protein forms T223A, T177A.
Identifiers: ClinVar variation 3657540 (VCV003657540.2).
Genomic context (GRCh38, chr5:36,676,991, plus strand): 5'-ATCCAGGCCAACGAAACGCTTGTGGGTGCTGTGATAAACAATGTGTCTGAGGCCATGGAG[A>G]CTCTTACCCGAATCACAGAGGAGCTGGTCCCAGTTCCAGGATCTGTGAATGGAGTCAATG-3'
Protein context (NP_004163.3, residues 213-233): VINNVSEAME[Thr223Ala]LTRITEELVP